The following is an entry in ClinVar:

NM_019109.5(ALG1):c.287-7C>G

Gene: ALG1 (ALG1 chitobiosyldiphosphodolichol beta-mannosyltransferase; plus strand). Cytogenetic location: 16p13.3.
Variant type: single nucleotide variant.
Coding change: c.287-7C>G on transcript NM_019109.5 (MANE Select); 7 bases into the intron before coding-DNA position 287, C replaced by G.
Molecular consequence: intron variant.
Genome position (GRCh38, 1-based): chr16:5,073,146, C>G. VCF-style: chr16-5073146-C-G. GRCh37 (hg19) VCF-style: chr16-5123147-C-G.
Other names: c.-47-7C>G (NM_001330504.2).
Identifiers: ClinVar variation 2128859 (VCV002128859.4), dbSNP rs2505848953, ClinGen allele CA2580091283.

ClinVar aggregate classification (germline): Uncertain significance (1 of 4 stars; one submission).

Conditions:
ALG1-congenital disorder of glycosylation. Also called: ALG1-CDG; CDG Ik; CONGENITAL DISORDER OF GLYCOSYLATION, TYPE Ik. Identifiers: Orphanet 79327, MedGen C2931005, MONDO:0012052, OMIM 608540.

Allele frequency attached by ClinVar (database versions not stated): gnomAD exomes below 0.00001.
gnomAD v4.1: 2 of 1,614,086 alleles (0.00012%); highest among the groups gnomAD compares: African/African-American, 0.0013%; no homozygotes.

Submission:

Labcorp Genetics (formerly Invitae), Labcorp
Classification: Uncertain significance for ALG1-congenital disorder of glycosylation. Last evaluated: 2022-04-21. Review status: criteria provided, single submitter. Criteria: Invitae Variant Classification Sherloc (09022015). Collection method: clinical testing. Allele origin: germline.
Comment: This sequence change falls in intron 2 of the ALG1 gene. It does not directly change the encoded amino acid sequence of the ALG1 protein. This variant is not present in population databases (gnomAD no frequency). In summary, the available evidence is currently insufficient to determine the role of this variant in disease. Therefore, it has been classified as a Variant of Uncertain Significance. Algorithms developed to predict the effect of sequence changes on RNA splicing suggest that this variant may disrupt the consensus splice site. This variant has not been reported in the literature in individuals affected with ALG1-related conditions.